The following is an entry in ClinVar:

ClinVar aggregate classification (germline): Pathogenic (1 of 4 stars; one submission).

Submission:

Labcorp Genetics (formerly Invitae), Labcorp
Classification: Pathogenic. Last evaluated: 2020-09-22. Review status: criteria provided, single submitter. Criteria: Invitae Variant Classification Sherloc (09022015). Collection method: clinical testing. Allele origin: germline.
Comment: This variant has not been reported in the literature in individuals with EYS-related conditions. This variant is not present in population databases (ExAC no frequency). This variant disrupts the C-terminus of the EYS protein. Other variant(s) that disrupt this region (p.Tyr3135*) have been determined to be pathogenic (PMID: 18976725, 31074760, 29159838, 30337596). This suggests that variants that disrupt this region of the protein are likely to be causative of disease. For these reasons, this variant has been classified as Pathogenic. This sequence change results in a premature translational stop signal in the EYS gene (p.Asp3007_Ile3103delinsPhePhe*). While this is not anticipated to result in nonsense mediated decay, it is expected to disrupt the last 138 amino acids of the EYS protein.

Literature cited by the submitters: PubMed 18976725; PubMed 31074760; PubMed 29159838; PubMed 30337596.

NM_001142800.2(EYS):c.9019_9307delinsTTTTTTTAAAATTTTTTTTAAAATTGGT (p.Asp3007_Ile3103delinsPhePheTer)

Genes: EYS (EGF-like photoreceptor maintenance factor; minus strand), PHF3 (PHD finger protein 3; plus strand). Cytogenetic location: 6q12.
Variant type: Indel.
Coding change: c.9019_9307delinsTTTTTTTAAAATTTTTTTTAAAATTGGT on transcript NM_001142800.2 (MANE Select); coding-DNA positions 9019 to 9307, the reference bases replaced by TTTTTTTAAAATTTTTTTTAAAATTGGT.
Protein change: p.Asp3007_Ile3103delinsPhePheTer.
Molecular consequence: nonsense. On other transcripts: 3 prime UTR variant (5).
Genome position (GRCh38, 1-based): chr6:63,720,724-63,721,012, 289 bases replaced. GRCh37 (hg19): chr6:64,430,620-64,430,908.
Other names: c.*7016_*7304delinsACCAATTTTAAAAAAAATTTTAAAAAAA (NM_001290259.2, NM_001370348.2, NM_001370349.2 and 2 more transcripts); c.9082_9370delinsTTTTTTTAAAATTTTTTTTAAAATTGGT, p.Asp3028_Ile3124delinsPhePheTer (NM_001292009.2).
Identifiers: ClinVar variation 1070119 (VCV001070119.7), dbSNP rs2149623597, ClinGen allele CA2499218429.